The following is an entry in ClinVar:

NM_170754.4(TNS2):c.35G>A (p.Arg12Lys)

Genes: TNS2 (tensin 2; plus strand), TNS2-AS1 (TNS2 antisense RNA 1; minus strand). Cytogenetic location: 12q13.13.
Variant type: single nucleotide variant.
Coding change: c.35G>A on transcript NM_170754.4 (MANE Select); coding-DNA position 35, G replaced by A.
Protein change: p.Arg12Lys; replaces arginine 12 with lysine.
Molecular consequence: missense variant. On other transcripts: intron variant (4).
Genome position (GRCh38, 1-based): chr12:53,050,220, G>A. VCF-style: chr12-53050220-G-A. GRCh37 (hg19) VCF-style: chr12-53444004-G-A.
Other names: c.35G>A, p.Arg12Lys (NM_001416204.1); c.-297-1635G>A (NM_198316.2); c.76-1635G>A (NM_001416202.1); c.6+972G>A (NM_001416203.1, NM_015319.3); short protein forms R12K.
Identifiers: ClinVar variation 3032235 (VCV003032235.2), dbSNP rs149801196, ClinGen allele CA6591744.

ClinVar aggregate classification (germline): Uncertain significance (0 of 4 stars; one submission).

Conditions:
TNS2-related disorder. Also called: TNS2-related condition.

Allele frequency attached by ClinVar (database versions not stated): ESP Exome Variant Server 0.00031; gnomAD exomes 0.00001; TOPMed 0.00005; gnomAD 0.00006.
gnomAD v4.1: 18 of 1,610,750 alleles (0.0011%); highest among the groups gnomAD compares: African/African-American, 0.023%; no homozygotes.

Submission:

PreventionGenetics, part of Exact Sciences
Classification: Uncertain significance for TNS2-related condition. Last evaluated: 2023-12-29. Review status: no assertion criteria provided. Collection method: clinical testing. Allele origin: germline.
Comment: The TNS2 c.35G>A variant is predicted to result in the amino acid substitution p.Arg12Lys. To our knowledge, this variant has not been reported in the literature. This variant is reported in 0.035% of alleles in individuals of African descent in gnomAD. At this time, the clinical significance of this variant is uncertain due to the absence of conclusive functional and genetic evidence.